The following is an entry in ClinVar:

NM_033118.4(MYLK2):c.1574A>G (p.Gln525Arg)

Gene: MYLK2 (myosin light chain kinase 2; plus strand). Cytogenetic location: 20q11.21.
Variant type: single nucleotide variant.
Coding change: c.1574A>G on transcript NM_033118.4 (MANE Select); coding-DNA position 1574, A replaced by G.
Protein change: p.Gln525Arg; replaces glutamine 525 with arginine.
Molecular consequence: missense variant.
Genome position (GRCh38, 1-based): chr20:31,831,852, A>G. VCF-style: chr20-31831852-A-G. GRCh37 (hg19) VCF-style: chr20-30419655-A-G.
Other names: short protein forms Q525R.
Identifiers: ClinVar variation 3768827 (VCV003768827.2).

ClinVar aggregate classification (germline): Uncertain significance. Review status: criteria provided, multiple submitters, no conflicts (2 of 4 stars). 2 submissions from 2 submitters: Uncertain significance (2). Last evaluated 2025-06-19.

Conditions:
Hypertrophic cardiomyopathy 1 (CMH1). Also called: MYH7-Related Familial Hypertrophic Cardiomyopathy; Familial hypertrophic cardiomyopathy 1. Identifiers: MedGen C3495498, MONDO:0008647, OMIM 192600.

gnomAD v4.1: 8 of 1,614,180 alleles (0.0005%); highest among the groups gnomAD compares: Admixed American, 0.0083%; no homozygotes.

Submissions (2):

Labcorp Genetics (formerly Invitae), Labcorp
Classification: Uncertain significance for Hypertrophic cardiomyopathy 1. Last evaluated: 2025-06-19. Review status: criteria provided, single submitter. Criteria: Invitae Variant Classification Sherloc (09022015). Collection method: clinical testing. Allele origin: germline.
Comment: This sequence change replaces glutamine, which is neutral and polar, with arginine, which is basic and polar, at codon 525 of the MYLK2 protein (p.Gln525Arg). This variant is present in population databases (no rsID available, gnomAD 0.006%). This variant has not been reported in the literature in individuals affected with MYLK2-related conditions. ClinVar contains an entry for this variant (Variation ID: 3768827). Invitae Evidence Modeling of protein sequence and biophysical properties (such as structural, functional, and spatial information, amino acid conservation, physicochemical variation, residue mobility, and thermodynamic stability) indicates that this missense variant is not expected to disrupt MYLK2 protein function with a negative predictive value of 80%. In summary, the available evidence is currently insufficient to determine the role of this variant in disease. Therefore, it has been classified as a Variant of Uncertain Significance.

Women's Health and Genetics/Laboratory Corporation of America, LabCorp
Classification: Uncertain significance. Last evaluated: 2025-02-03. Review status: criteria provided, single submitter. Criteria: LabCorp Variant Classification Summary - May 2015. Collection method: clinical testing. Allele origin: germline.